The following is an entry in ClinVar:

ClinVar aggregate classification (germline): Uncertain significance (1 of 4 stars; one submission).

Submission:

Women's Health and Genetics/Laboratory Corporation of America, LabCorp
Classification: Uncertain significance. Last evaluated: 2025-07-14. Review status: criteria provided, single submitter. Criteria: LabCorp Variant Classification Summary - May 2015. Collection method: clinical testing. Allele origin: germline.
Comment: Variant summary: ACADVL c.2T>A (p.Met1Lys) alters the initiation codon and is predicted to result either in absence of the protein or truncation of the encoded protein due to translation initiation at a downstream codon. Next inframe start codon is located at p.M6. The variant was absent in 222566 control chromosomes. The available data on variant occurrences in the general population are insufficient to allow any conclusion about variant significance. To our knowledge, no occurrence of c.2T>A in individuals affected with Very Long Chain Acyl-CoA Dehydrogenase Deficiency and no experimental evidence demonstrating its impact on protein function have been reported. No submitters have cited clinical-significance assessments for this variant to ClinVar. Based on the evidence outlined above, the variant was classified as uncertain significance.

NM_000018.4(ACADVL):c.2T>A (p.Met1Lys)

Genes: DLG4 (discs large MAGUK scaffold protein 4; minus strand), ACADVL (acyl-CoA dehydrogenase very long chain; plus strand). Cytogenetic location: 17p13.1.
Variant type: single nucleotide variant.
Coding change: c.2T>A on transcript NM_000018.4 (MANE Select); coding-DNA position 2, T replaced by A.
Protein change: p.Met1Lys; changes the start codon (methionine 1).
Molecular consequence: missense variant, initiator codon variant. On other transcripts: 5 prime UTR variant (2), non-coding transcript variant (1), intron variant (1).
Genome position (GRCh38, 1-based): chr17:7,219,986, T>A. VCF-style: chr17-7219986-T-A. GRCh37 (hg19) VCF-style: chr17-7123305-T-A.
Other names: c.-1137A>T (NM_001321074.1); c.2T>A, p.Met1Lys (NM_001033859.3); c.-302T>A (NM_001270448.2); c.132-136T>A (NM_001270447.2); short protein forms M1K.
Identifiers: ClinVar variation 4525944 (VCV004525944.1).